The following is an entry in ClinVar:

ClinVar aggregate classification (germline): Uncertain significance (1 of 4 stars; one submission).

Conditions:
Hereditary cancer-predisposing syndrome. Also called: Neoplastic Syndromes, Hereditary; Tumor predisposition; Hereditary Cancer Syndrome; Hereditary neoplastic syndrome. Identifiers: Orphanet 140162, MedGen C0027672, MeSH D009386, MONDO:0015356.

Submission:

Ambry Genetics
Classification: Uncertain significance for Hereditary cancer-predisposing syndrome. Last evaluated: 2026-04-08. Review status: criteria provided, single submitter. Criteria: Ambry Variant Classification Scheme 2023. Collection method: clinical testing. Allele origin: germline.
Comment: The p.L255R variant (also known as c.764T>G), located in coding exon 1 of the AXIN2 gene, results from a T to G substitution at nucleotide position 764. The leucine at codon 255 is replaced by arginine, an amino acid with dissimilar properties. This amino acid position is conserved. In addition, this alteration is predicted to be deleterious by in silico analysis. Based on the available evidence, the clinical significance of this variant remains unclear.

NM_004655.4(AXIN2):c.764T>G (p.Leu255Arg)

Gene: AXIN2 (axin 2; minus strand). Cytogenetic location: 17q24.1.
Variant type: single nucleotide variant.
Coding change: c.764T>G on transcript NM_004655.4 (MANE Select); coding-DNA position 764, T replaced by G.
Protein change: p.Leu255Arg; replaces leucine 255 with arginine.
Molecular consequence: missense variant.
Genome position (GRCh38, 1-based): chr17:65,557,857, A>C on the plus strand (T>G on the coding strand, the complement: AXIN2 is on the minus strand). VCF-style: chr17-65557857-A-C. GRCh37 (hg19) VCF-style: chr17-63553975-A-C.
Other names: c.764T>G, p.Leu255Arg (NM_001363813.1); short protein forms L255R.
Identifiers: ClinVar variation 4867300 (VCV004867300.1).